The following is an entry in ClinVar:

ClinVar aggregate classification (germline): Uncertain significance (1 of 4 stars; one submission).

gnomAD v4.1: 1 of 1,613,256 alleles (0.000062%); highest among the groups gnomAD compares: Non-Finnish European, 0.000085%; no homozygotes.

Submission:

Ambry Genetics
Classification: Uncertain significance. Last evaluated: 2024-01-30. Review status: criteria provided, single submitter. Criteria: Ambry Variant Classification Scheme 2023. Collection method: clinical testing. Allele origin: germline.
Comment: The p.M670T variant (also known as c.2009T>C), located in coding exon 4 of the ALPK2 gene, results from a T to C substitution at nucleotide position 2009. The methionine at codon 670 is replaced by threonine, an amino acid with similar properties. This amino acid position is conserved. In addition, this alteration is predicted to be tolerated by in silico analysis. Since supporting evidence is limited at this time, the clinical significance of this alteration remains unclear.

NM_052947.4(ALPK2):c.2009T>C (p.Met670Thr)

Gene: ALPK2 (alpha kinase 2; minus strand). Cytogenetic location: 18q21.31.
Variant type: single nucleotide variant.
Coding change: c.2009T>C on transcript NM_052947.4 (MANE Select); coding-DNA position 2009, T replaced by C.
Protein change: p.Met670Thr; replaces methionine 670 with threonine.
Molecular consequence: missense variant.
Genome position (GRCh38, 1-based): chr18:58,538,178, A>G on the plus strand (T>C on the coding strand, the complement: ALPK2 is on the minus strand). VCF-style: chr18-58538178-A-G. GRCh37 (hg19) VCF-style: chr18-56205410-A-G.
Other names: short protein forms M670T.
Identifiers: ClinVar variation 1784371 (VCV001784371.2), dbSNP rs2518878256, ClinGen allele CA402571904.